The following is an entry in ClinVar:

NM_000102.4(CYP17A1):c.1024C>A (p.Pro342Thr)

Gene: CYP17A1 (cytochrome P450 family 17 subfamily A member 1; minus strand). Cytogenetic location: 10q24.32.
Variant type: single nucleotide variant.
Coding change: c.1024C>A on transcript NM_000102.4 (MANE Select); coding-DNA position 1024, C replaced by A.
Protein change: p.Pro342Thr; replaces proline 342 with threonine.
Molecular consequence: missense variant.
Genome position (GRCh38, 1-based): chr10:102,832,626, G>T on the plus strand (C>A on the coding strand, the complement: CYP17A1 is on the minus strand). VCF-style: chr10-102832626-G-T. GRCh37 (hg19) VCF-style: chr10-104592383-G-T.
Other names: short protein forms P342T.
Identifiers: ClinVar variation 1783 (VCV000001783.5), dbSNP rs104894137, ClinGen allele CA115182.

ClinVar aggregate classification (germline): Likely pathogenic. Review status: criteria provided, multiple submitters, no conflicts (2 of 4 stars). 3 submissions from 3 submitters: Likely pathogenic (2). 1 of the submissions does not count toward it. Last evaluated 2024-08-22.

Conditions:
Deficiency of steroid 17-alpha-monooxygenase. Also called: Congenital adrenal hyperplasia due to 17-alpha-hydroxylase deficiency; Congenital adrenal hyperplasia type 5; 17-alpha-hydroxylase/17,20-lyase deficiency; 17-ALPHA-HYDROXYLASE DEFICIENCY; ADRENAL HYPERPLASIA V. Identifiers: Orphanet 90793, MedGen C0268285, MONDO:0008730, OMIM 202110.
17-alpha-hydroxylase/17,20-lyase deficiency, combined partial. Identifiers: MedGen C4017190, MONDO:0800380.

Allele frequency attached by ClinVar (database versions not stated): gnomAD exomes 0.00001.
gnomAD v4.1: 9 of 1,605,190 alleles (0.00056%); highest among the groups gnomAD compares: Non-Finnish European, 0.00077%; no homozygotes.

Submissions (3):

Revvity Omics, Revvity
Classification: Likely pathogenic for Deficiency of steroid 17-alpha-monooxygenase. Last evaluated: 2024-08-22. Review status: criteria provided, single submitter. Criteria: ACMG Guidelines, 2015. Collection method: clinical testing. Allele origin: germline.

Labcorp Genetics (formerly Invitae), Labcorp
Classification: Likely pathogenic. Last evaluated: 2023-10-30. Review status: criteria provided, single submitter. Criteria: Invitae Variant Classification Sherloc (09022015). Collection method: clinical testing. Allele origin: germline.
Comment: This sequence change replaces proline, which is neutral and non-polar, with threonine, which is neutral and polar, at codon 342 of the CYP17A1 protein (p.Pro342Thr). This variant is not present in population databases (gnomAD no frequency). This missense change has been observed in individual(s) with partial combined 17-alphahydroxylase/17,20-lyase deficiency (PMID: 1740503). In at least one individual the data is consistent with being in trans (on the opposite chromosome) from a pathogenic variant. ClinVar contains an entry for this variant (Variation ID: 1783). Advanced modeling of protein sequence and biophysical properties (such as structural, functional, and spatial information, amino acid conservation, physicochemical variation, residue mobility, and thermodynamic stability) performed at Invitae indicates that this missense variant is expected to disrupt CYP17A1 protein function with a positive predictive value of 95%. Experimental studies have shown that this missense change affects CYP17A1 function (PMID: 1740503). In summary, the currently available evidence indicates that the variant is pathogenic, but additional data are needed to prove that conclusively. Therefore, this variant has been classified as Likely Pathogenic.

OMIM
Classification: Pathogenic for 17-ALPHA-HYDROXYLASE/17,20-LYASE DEFICIENCY, COMBINED PARTIAL. Last evaluated: 1992-03-01. Review status: no assertion criteria provided. Collection method: literature only. Allele origin: germline. Not counted in ClinVar's aggregate classification.

Literature cited by the submitters: PubMed 1740503 (cited by Labcorp Genetics (formerly Invitae), Labcorp and OMIM).